The following is an entry in ClinVar:

NM_003265.3(TLR3):c.787A>G (p.Thr263Ala)

Gene: TLR3 (toll like receptor 3; plus strand). Cytogenetic location: 4q35.1.
Variant type: single nucleotide variant.
Coding change: c.787A>G on transcript NM_003265.3 (MANE Select); coding-DNA position 787, A replaced by G.
Protein change: p.Thr263Ala; replaces threonine 263 with alanine.
Molecular consequence: missense variant.
Genome position (GRCh38, 1-based): chr4:186,082,473, A>G. VCF-style: chr4-186082473-A-G. GRCh37 (hg19) VCF-style: chr4-187003627-A-G.
Other names: c.787A>G (NM_003265.2); short protein forms T263A.
Identifiers: ClinVar variation 1378209 (VCV001378209.9), dbSNP rs781640627, ClinGen allele CA3161307.

ClinVar aggregate classification (germline): Uncertain significance. Review status: criteria provided, multiple submitters, no conflicts (2 of 4 stars). 2 submissions from 2 submitters: Uncertain significance (2). Last evaluated 2025-04-02.

Conditions:
Encephalopathy, acute, infection-induced (herpes-specific), susceptibility to, 1. Also called: Herpes simplex encephalitis, susceptibility to, 1. Identifiers: Orphanet 1930, MedGen C2750180, MONDO:0024563, OMIM 610551.

Allele frequency attached by ClinVar (database versions not stated): gnomAD exomes 0.00001; TOPMed 0.00001; gnomAD 0.00001; ExAC 0.00002.

Submissions (2):

Ambry Genetics
Classification: Uncertain significance. Last evaluated: 2025-04-02. Review status: criteria provided, single submitter. Criteria: Ambry Variant Classification Scheme 2023. Collection method: clinical testing. Allele origin: germline.

Labcorp Genetics (formerly Invitae), Labcorp
Classification: Uncertain significance for Encephalopathy, acute, infection-induced (herpes-specific), susceptibility to, 1. Last evaluated: 2024-12-12. Review status: criteria provided, single submitter. Criteria: Invitae Variant Classification Sherloc (09022015). Collection method: clinical testing. Allele origin: germline.
Comment: This sequence change replaces threonine, which is neutral and polar, with alanine, which is neutral and non-polar, at codon 263 of the TLR3 protein (p.Thr263Ala). This variant is present in population databases (rs781640627, gnomAD 0.003%). This variant has not been reported in the literature in individuals affected with TLR3-related conditions. ClinVar contains an entry for this variant (Variation ID: 1378209). An algorithm developed to predict the effect of missense changes on protein structure and function (PolyPhen-2) suggests that this variant is likely to be tolerated. In summary, the available evidence is currently insufficient to determine the role of this variant in disease. Therefore, it has been classified as a Variant of Uncertain Significance.